The following is an entry in ClinVar:

NC_000011.9:g.(?_532631)_(534375_?)dup

Gene: HRAS (HRas proto-oncogene, GTPase; minus strand). Cytogenetic location: 11p15.5.
Variant type: Duplication.
Identifiers: ClinVar variation 989468 (VCV000989468.1).

ClinVar aggregate classification (germline): Uncertain significance (1 of 4 stars; one submission).

Conditions:
Costello syndrome (CSTLO). Also called: FCS SYNDROME; HRAS-Related Costello Syndrome; FACIOCUTANEOSKELETAL SYNDROME. Identifiers: Orphanet 3071, MedGen C0587248, MONDO:0009026, OMIM 218040.

Submission:

Labcorp Genetics (formerly Invitae), Labcorp
Classification: Uncertain significance for Costello syndrome. Last evaluated: 2016-10-16. Review status: criteria provided, single submitter. Criteria: Invitae Variant Classification Sherloc (09022015). Collection method: clinical testing. Allele origin: germline.
Comment: A gross duplication of the genomic region encompassing the full coding sequence of the HRAS gene has been identified. The boundaries of this event are unknown as the duplication extends beyond the assayed region for this gene and therefore may encompass additional genes. As the precise location of this duplication is unknown, it may be in tandem or it may be located elsewhere in the genome. Whole gene duplications of HRAS have not been reported in the literature in individuals with a HRAS-related disease. In summary, the exact genomic location of this variant is unknown and the impact of this duplication on HRAS protein function has not been established. Therefore, it has been classified as a Variant of Uncertain Significance.